The following is an entry in ClinVar:

ClinVar aggregate classification (germline): Uncertain significance. Review status: criteria provided, multiple submitters, no conflicts (2 of 4 stars). 2 submissions from 2 submitters: Uncertain significance (2). Last evaluated 2022-09-02.

Conditions:
Hydrocephalus, nonsyndromic, autosomal recessive 2. Also called: Hydrocephalus, congenital, 2, with or without brain or eye anomalies. Identifiers: Orphanet 2185, MedGen C3554691, MONDO:0014085, OMIM 615219.

Allele frequency attached by ClinVar (database versions not stated): ExAC 0.00004; gnomAD 0.00004; gnomAD exomes 0.00004 and 0.00009; TOPMed 0.00005; ESP Exome Variant Server 0.00008.
gnomAD v4.1: 137 of 1,609,412 alleles (0.0085%); highest among the groups gnomAD compares: Non-Finnish European, 0.011%; no homozygotes.

Submissions (2):

Victorian Clinical Genetics Services, Murdoch Childrens Research Institute
Classification: Uncertain significance for Hydrocephalus, nonsyndromic, autosomal recessive 2. Last evaluated: 2022-09-02. Review status: criteria provided, single submitter. Criteria: ACMG Guidelines, 2015. Collection method: clinical testing. Allele origin: germline. Inheritance: Autosomal recessive inheritance. Affected: yes.
Comment: A heterozygous missense variant was identified, NM_003829.4(MPDZ):c.3263A>G in exon 23 of 46 of the MPDZ gene. This substitution is predicted to create a major amino acid change from a tyrosine to a cysteine at position 1088 of the protein; NP_003820.2(MPDZ):p.(Tyr1088Cys). The tyrosine at this position has very high conservation (100 vertebrates, UCSC), and is located within the PDZ6 domain (PDB). In silico software predictions of the pathogenicity of this variant are conflicting (PolyPhen2, SIFT, CADD, Mutation Taster). The variant is present in the gnomAD population database at a global population frequency of 0.004% (10 heterozygotes, 0 homozygotes) with a European sub-population frequency of 0.008%. This variant has not previously been reported in clinical cases. Based on information available at the time of curation, this variant has been classified as a VUS.

Labcorp Genetics (formerly Invitae), Labcorp
Classification: Uncertain significance. Last evaluated: 2022-08-12. Review status: criteria provided, single submitter. Criteria: Invitae Variant Classification Sherloc (09022015). Collection method: clinical testing. Allele origin: germline.
Comment: This sequence change replaces tyrosine, which is neutral and polar, with cysteine, which is neutral and slightly polar, at codon 1088 of the MPDZ protein (p.Tyr1088Cys). This variant is present in population databases (rs372125677, gnomAD 0.008%). This variant has not been reported in the literature in individuals affected with MPDZ-related conditions. ClinVar contains an entry for this variant (Variation ID: 1519860). Algorithms developed to predict the effect of missense changes on protein structure and function (SIFT, PolyPhen-2, Align-GVGD) all suggest that this variant is likely to be disruptive. In summary, the available evidence is currently insufficient to determine the role of this variant in disease. Therefore, it has been classified as a Variant of Uncertain Significance.

NM_001378778.1(MPDZ):c.3263A>G (p.Tyr1088Cys)

Gene: MPDZ (multiple PDZ domain crumbs cell polarity complex component; minus strand). Cytogenetic location: 9p23.
Variant type: single nucleotide variant.
Coding change: c.3263A>G on transcript NM_001378778.1 (MANE Select); coding-DNA position 3263, A replaced by G.
Protein change: p.Tyr1088Cys; replaces tyrosine 1088 with cysteine.
Molecular consequence: missense variant. On other transcripts: intron variant (1).
Genome position (GRCh38, 1-based): chr9:13,162,787, T>C on the plus strand (A>G on the coding strand, the complement: MPDZ is on the minus strand). VCF-style: chr9-13162787-T-C. GRCh37 (hg19) VCF-style: chr9-13162786-T-C.
Other names: c.3263A>G, p.Tyr1088Cys (NM_001261406.2, NM_001261407.2, NM_001330637.2 and 13 more transcripts); c.3254+5579A>G (NM_001375427.1); short protein forms Y1088C.
Identifiers: ClinVar variation 1519860 (VCV001519860.6), dbSNP rs372125677, ClinGen allele CA4987183.